The following is an entry in ClinVar:

NM_000702.4(ATP1A2):c.2911_2914dup (p.Gly972fs)

Gene: ATP1A2 (ATPase Na+/K+ transporting subunit alpha 2; plus strand). Cytogenetic location: 1q23.2.
Variant type: Duplication.
Coding change: c.2911_2914dup on transcript NM_000702.4 (MANE Select); coding-DNA positions 2911 to 2914, 4 bases duplicated (ATGG; older notation c.2911_2914dupATGG).
Protein change: p.Gly972fs; shifts the reading frame from glycine 972.
Molecular consequence: frameshift variant.
Genome position (GRCh38, 1-based): chr1:160,139,710-160,139,713, ATGG duplicated. VCF-style (leftmost placement, unchanged base first): chr1-160139709-C-CATGG. GRCh37 (hg19) VCF-style: chr1-160109499-C-CATGG.
Other names: short protein forms G972fs.
Identifiers: ClinVar variation 3660784 (VCV003660784.2).

ClinVar aggregate classification (germline): Uncertain significance (1 of 4 stars; one submission).

Conditions:
Familial hemiplegic migraine. Identifiers: MedGen C0338484, MONDO:0000700.

Submission:

Labcorp Genetics (formerly Invitae), Labcorp
Classification: Uncertain significance for Familial hemiplegic migraine. Last evaluated: 2024-11-02. Review status: criteria provided, single submitter. Criteria: Invitae Variant Classification Sherloc (09022015). Collection method: clinical testing. Allele origin: germline.
Comment: This sequence change creates a premature translational stop signal (p.Gly972Aspfs*29) in the ATP1A2 gene. While this is not anticipated to result in nonsense mediated decay, it is expected to disrupt the last 49 amino acid(s) of the ATP1A2 protein. This variant is not present in population databases (gnomAD no frequency). This variant has not been reported in the literature in individuals affected with ATP1A2-related conditions. Experimental studies and prediction algorithms are not available or were not evaluated, and the functional significance of this variant is currently unknown. In summary, the available evidence is currently insufficient to determine the role of this variant in disease. Therefore, it has been classified as a Variant of Uncertain Significance.